The following is an entry in ClinVar:

ClinVar aggregate classification (germline): Uncertain significance. Review status: criteria provided, multiple submitters, no conflicts (2 of 4 stars). 2 submissions from 2 submitters: Uncertain significance (2). Last evaluated 2025-04-20.

Conditions:
Inborn genetic diseases. Identifiers: MedGen C0950123, MeSH D030342.

Allele frequency attached by ClinVar (database versions not stated): gnomAD 0.00005.
gnomAD v4.1: 42 of 1,614,048 alleles (0.0026%); highest among the groups gnomAD compares: African/African-American, 0.004%; no homozygotes.

Submissions (2):

Ambry Genetics
Classification: Uncertain significance for Inborn genetic diseases. Last evaluated: 2025-04-20. Review status: criteria provided, single submitter. Criteria: Ambry Variant Classification Scheme 2023. Collection method: clinical testing. Allele origin: germline.

Labcorp Genetics (formerly Invitae), Labcorp
Classification: Uncertain significance. Last evaluated: 2022-07-11. Review status: criteria provided, single submitter. Criteria: Invitae Variant Classification Sherloc (09022015). Collection method: clinical testing. Allele origin: germline.
Comment: In summary, the available evidence is currently insufficient to determine the role of this variant in disease. Therefore, it has been classified as a Variant of Uncertain Significance. Algorithms developed to predict the effect of missense changes on protein structure and function output the following: SIFT: "Tolerated"; PolyPhen-2: "Benign"; Align-GVGD: "Class C0". The valine amino acid residue is found in multiple mammalian species, which suggests that this missense change does not adversely affect protein function. This variant has not been reported in the literature in individuals affected with RSPRY1-related conditions. This variant is present in population databases (rs758306925, gnomAD 0.005%). This sequence change replaces glycine, which is neutral and non-polar, with valine, which is neutral and non-polar, at codon 16 of the RSPRY1 protein (p.Gly16Val).

NM_133368.3(RSPRY1):c.47G>T (p.Gly16Val)

Gene: RSPRY1 (ring finger and SPRY domain containing 1; plus strand). Cytogenetic location: 16q13.
Variant type: single nucleotide variant.
Coding change: c.47G>T on transcript NM_133368.3 (MANE Select); coding-DNA position 47, G replaced by T.
Protein change: p.Gly16Val; replaces glycine 16 with valine.
Molecular consequence: missense variant.
Genome position (GRCh38, 1-based): chr16:57,204,705, G>T. VCF-style: chr16-57204705-G-T. GRCh37 (hg19) VCF-style: chr16-57238617-G-T.
Other names: c.47G>T, p.Gly16Val (NM_001305163.2, NM_001305164.2, NM_001305182.2); c.47G>T (NM_133368.1); short protein forms G16V.
Identifiers: ClinVar variation 2065086 (VCV002065086.5), dbSNP rs758306925, ClinGen allele CA8074375.